The following is an entry in ClinVar:

ClinVar aggregate classification (germline): Uncertain significance (1 of 4 stars; one submission).

Conditions:
DOCK2 deficiency. Also called: Immunodeficiency 40. Identifiers: Orphanet 447737, MedGen C4225328, MONDO:0014637, OMIM 616433.

Submission:

Labcorp Genetics (formerly Invitae), Labcorp
Classification: Uncertain significance for DOCK2 deficiency. Last evaluated: 2021-09-06. Review status: criteria provided, single submitter. Criteria: Invitae Variant Classification Sherloc (09022015). Collection method: clinical testing. Allele origin: germline.
Comment: This variant has not been reported in the literature in individuals affected with DOCK2-related conditions. In summary, the available evidence is currently insufficient to determine the role of this variant in disease. Therefore, it has been classified as a Variant of Uncertain Significance. Algorithms developed to predict the effect of missense changes on protein structure and function are either unavailable or do not agree on the potential impact of this missense change (SIFT: "Tolerated"; PolyPhen-2: "Possibly Damaging"; Align-GVGD: "Class C0"). This variant is not present in population databases (ExAC no frequency). This sequence change replaces glutamic acid with lysine at codon 78 of the DOCK2 protein (p.Glu78Lys). The glutamic acid residue is moderately conserved and there is a small physicochemical difference between glutamic acid and lysine.

NM_004946.3(DOCK2):c.232G>A (p.Glu78Lys)

Gene: DOCK2 (dedicator of cytokinesis 2; plus strand). Cytogenetic location: 5q35.1.
Variant type: single nucleotide variant.
Coding change: c.232G>A on transcript NM_004946.3 (MANE Select); coding-DNA position 232, G replaced by A.
Protein change: p.Glu78Lys; replaces glutamic acid 78 with lysine.
Molecular consequence: missense variant. On other transcripts: non-coding transcript variant (1).
Genome position (GRCh38, 1-based): chr5:169,671,085, G>A. VCF-style: chr5-169671085-G-A. GRCh37 (hg19) VCF-style: chr5-169098089-G-A.
Other names: short protein forms E78K.
Identifiers: ClinVar variation 1517781 (VCV001517781.6), dbSNP rs2113291002, ClinGen allele CA362102260.